The following is an entry in ClinVar:

ClinVar aggregate classification (germline): Uncertain significance. Review status: criteria provided, multiple submitters, no conflicts (2 of 4 stars). 2 submissions from 2 submitters: Uncertain significance (2). Last evaluated 2023-07-17.

Conditions:
Autosomal dominant polycystic kidney disease. Identifiers: Orphanet 730, MedGen C0085413, MONDO:0004691.
Polycystic kidney disease 2 (PKD2). Also called: POLYCYSTIC KIDNEY DISEASE 2 WITH OR WITHOUT POLYCYSTIC LIVER DISEASE; Polycystic Kidney Disease 2, Autosomal Dominant; POLYCYSTIC KIDNEY DISEASE, ADULT, TYPE II. Identifiers: MedGen C2751306, MONDO:0013131, OMIM 613095.

Allele frequency attached by ClinVar (database versions not stated): gnomAD 0.00001; TOPMed 0.00001; ExAC 0.00002; gnomAD exomes 0.00002.
gnomAD v4.1: 10 of 1,613,624 alleles (0.00062%); highest among the groups gnomAD compares: Admixed American, 0.015%; no homozygotes.

Submissions (2):

Labcorp Genetics (formerly Invitae), Labcorp
Classification: Uncertain significance for Autosomal dominant polycystic kidney disease. Last evaluated: 2023-07-17. Review status: criteria provided, single submitter. Criteria: Invitae Variant Classification Sherloc (09022015). Collection method: clinical testing. Allele origin: germline.
Comment: In summary, the available evidence is currently insufficient to determine the role of this variant in disease. Therefore, it has been classified as a Variant of Uncertain Significance. Advanced modeling of protein sequence and biophysical properties (such as structural, functional, and spatial information, amino acid conservation, physicochemical variation, residue mobility, and thermodynamic stability) performed at Invitae indicates that this missense variant is not expected to disrupt PKD2 protein function. ClinVar contains an entry for this variant (Variation ID: 1345047). This variant has not been reported in the literature in individuals affected with PKD2-related conditions. This variant is present in population databases (rs747895445, gnomAD 0.01%). This sequence change replaces glycine, which is neutral and non-polar, with serine, which is neutral and polar, at codon 734 of the PKD2 protein (p.Gly734Ser).

Fulgent Genetics
Classification: Uncertain significance for Polycystic kidney disease 2. Last evaluated: 2022-04-12. Review status: criteria provided, single submitter. Criteria: ACMG Guidelines, 2015. Collection method: clinical testing. Allele origin: unknown.

NM_000297.4(PKD2):c.2200G>A (p.Gly734Ser)

Gene: PKD2 (polycystin 2, transient receptor potential cation channel; plus strand). Cytogenetic location: 4q22.1.
Variant type: single nucleotide variant.
Coding change: c.2200G>A on transcript NM_000297.4 (MANE Select); coding-DNA position 2200, G replaced by A.
Protein change: p.Gly734Ser; replaces glycine 734 with serine.
Molecular consequence: missense variant. On other transcripts: non-coding transcript variant (1).
Genome position (GRCh38, 1-based): chr4:88,065,455, G>A. VCF-style: chr4-88065455-G-A. GRCh37 (hg19) VCF-style: chr4-88986607-G-A.
Other names: short protein forms G734S.
Identifiers: ClinVar variation 1345047 (VCV001345047.7), dbSNP rs747895445, ClinGen allele CA3004159.